The following is an entry in ClinVar:

NM_012431.3(SEMA3E):c.500G>A (p.Arg167Lys)

Gene: SEMA3E (semaphorin 3E; minus strand). Cytogenetic location: 7q21.11.
Variant type: single nucleotide variant.
Coding change: c.500G>A on transcript NM_012431.3 (MANE Select); coding-DNA position 500, G replaced by A.
Protein change: p.Arg167Lys; replaces arginine 167 with lysine.
Molecular consequence: missense variant.
Genome position (GRCh38, 1-based): chr7:83,418,440, C>T on the plus strand (G>A on the coding strand, the complement: SEMA3E is on the minus strand). VCF-style: chr7-83418440-C-T. GRCh37 (hg19) VCF-style: chr7-83047756-C-T.
Other names: c.320G>A, p.Arg107Lys (NM_001178129.2); short protein forms R107K, R167K.
Identifiers: ClinVar variation 3348670 (VCV003348670.1).

ClinVar aggregate classification (germline): Uncertain significance (0 of 4 stars; one submission).

Conditions:
SEMA3E-related disorder. Also called: SEMA3E-related condition.

gnomAD v4.1: 1 of 1,612,002 alleles (0.000062%); highest among the groups gnomAD compares: Middle Eastern, 0.017%; no homozygotes.

Submission:

PreventionGenetics, part of Exact Sciences
Classification: Uncertain significance for SEMA3E-related condition. Last evaluated: 2024-02-22. Review status: no assertion criteria provided. Collection method: clinical testing. Allele origin: germline.
Comment: The SEMA3E c.500G>A variant is predicted to result in the amino acid substitution p.Arg167Lys. To our knowledge, this variant has not been reported in the literature or in a large population database, indicating this variant is rare. At this time, the clinical significance of this variant is uncertain due to the absence of conclusive functional and genetic evidence.